The following is an entry in ClinVar:

ClinVar aggregate classification (germline): Uncertain significance. Review status: criteria provided, multiple submitters, no conflicts (2 of 4 stars). 4 submissions from 4 submitters: Uncertain significance (4). Last evaluated 2026-01-27.

Conditions:
Autosomal dominant familial hematuria-retinal arteriolar tortuosity-contractures syndrome. Also called: Hereditary Angiopathy with Nephropathy, Aneurysms, and Muscle Cramps (HANAC) Syndrome; Angiopathy, hereditary, with nephropathy, aneurysms, and muscle cramps. Identifiers: Orphanet 73229, MedGen C2673195, MONDO:0012726, OMIM 611773.
Retinal arterial tortuosity. Also called: Retinal arteries, tortuosity of; RETINAL HEMORRHAGE WITH VASCULAR TORTUOSITY. Identifiers: Orphanet 75326, MedGen C0423401, MONDO:0008373, OMIM 180000, HP:0000631.
Microangiopathy and leukoencephalopathy, pontine, autosomal dominant. Also called: Pontine autosomal dominant microangiopathy with leukoencephalopathy; DEMENTIA, HEREDITARY MULTI-INFARCT, SWEDISH TYPE. Identifiers: Orphanet 477749, MedGen C5231411, MONDO:0032814, OMIM 618564.
Brain small vessel disease 1 with or without ocular anomalies (BSVD1). Also called: PORENCEPHALY, TYPE 1, AUTOSOMAL DOMINANT; BRAIN SMALL VESSEL DISEASE WITH HEMORRHAGE; GOULD SYNDROME 1; Brain small vessel disease with or without ocular anomalies. Identifiers: Orphanet 2940, Orphanet 36383, Orphanet 99810, MedGen C4755307, MONDO:0008289, OMIM 175780.
Hemorrhage, intracerebral, susceptibility to (ICH). Also called: Stroke, hemorrhagic, susceptibility to. Identifiers: MedGen C3281105, MONDO:0100533, OMIM 614519.
Inborn genetic diseases. Identifiers: MedGen C0950123, MeSH D030342.

Allele frequency attached by ClinVar (database versions not stated): gnomAD exomes below 0.00001 and 0.00002; gnomAD 0.00001 and 0.00003; ExAC 0.00002; TOPMed 0.00002; 1000 Genomes Project 30x 0.00031; 1000 Genomes Project 0.00040.
gnomAD v4.1: 19 of 1,613,718 alleles (0.0012%); highest among the groups gnomAD compares: East Asian, 0.0089%; no homozygotes.

Submissions (4):

Labcorp Genetics (formerly Invitae), Labcorp
Classification: Uncertain significance. Last evaluated: 2026-01-27. Review status: criteria provided, single submitter. Criteria: Invitae Variant Classification Sherloc (09022015). Collection method: clinical testing. Allele origin: germline.
Comment: This sequence change replaces serine, which is neutral and polar, with arginine, which is basic and polar, at codon 300 of the COL4A1 protein (p.Ser300Arg). This variant is present in population databases (rs370338256, gnomAD 0.01%). This missense change has been observed in individual(s) with clinical features of COL4A1-related conditions (PMID: 30653986). ClinVar contains an entry for this variant (Variation ID: 1499304). Invitae Evidence Modeling of protein sequence and biophysical properties (such as structural, functional, and spatial information, amino acid conservation, physicochemical variation, residue mobility, and thermodynamic stability) indicates that this missense variant is not expected to disrupt COL4A1 protein function with a negative predictive value of 95%. In summary, the available evidence is currently insufficient to determine the role of this variant in disease. Therefore, it has been classified as a Variant of Uncertain Significance.

Fulgent Genetics
Classification: Uncertain significance for Brain small vessel disease 1 with or without ocular anomalies; Retinal arterial tortuosity; Autosomal dominant familial hematuria-retinal arteriolar tortuosity-contractures syndrome; Hemorrhage, intracerebral, susceptibility to; Microangiopathy and leukoencephalopathy, pontine, autosomal dominant. Last evaluated: 2024-04-03. Review status: criteria provided, single submitter. Criteria: ACMG Guidelines, 2015. Collection method: clinical testing. Allele origin: germline.

Ambry Genetics
Classification: Uncertain significance for Inborn genetic diseases. Last evaluated: 2023-11-22. Review status: criteria provided, single submitter. Criteria: Ambry Variant Classification Scheme 2023. Collection method: clinical testing. Allele origin: germline.

Revvity Omics, Revvity
Classification: Uncertain significance. Last evaluated: 2022-12-21. Review status: criteria provided, single submitter. Criteria: ACMG Guidelines, 2015. Collection method: clinical testing. Allele origin: germline.

Literature cited by the submitters: PubMed 30653986 (cited by Labcorp Genetics (formerly Invitae), Labcorp and Ambry Genetics); PubMed 29770612 (cited by Ambry Genetics).

NM_001845.6(COL4A1):c.900T>A (p.Ser300Arg)

Gene: COL4A1 (collagen type IV alpha 1 chain; minus strand). Cytogenetic location: 13q34.
Variant type: single nucleotide variant.
Coding change: c.900T>A on transcript NM_001845.6 (MANE Select); coding-DNA position 900, T replaced by A.
Protein change: p.Ser300Arg; replaces serine 300 with arginine.
Molecular consequence: missense variant.
Genome position (GRCh38, 1-based): chr13:110,205,497, A>T on the plus strand (T>A on the coding strand, the complement: COL4A1 is on the minus strand). VCF-style: chr13-110205497-A-T. GRCh37 (hg19) VCF-style: chr13-110857844-A-T.
Other names: c.900T>A, p.Ser300Arg (NM_001303110.2); c.900T>A (NM_001845.4); short protein forms S300R.
Identifiers: ClinVar variation 1499304 (VCV001499304.12), dbSNP rs370338256, ClinGen allele CA7048265.